The following is an entry in ClinVar:

ClinVar aggregate classification (germline): Uncertain significance (1 of 4 stars; one submission).

Conditions:
Hereditary cancer-predisposing syndrome. Also called: Hereditary Cancer Syndrome; Hereditary neoplastic syndrome; Neoplastic Syndromes, Hereditary; Tumor predisposition. Identifiers: Orphanet 140162, MedGen C0027672, MeSH D009386, MONDO:0015356.

Submission:

Ambry Genetics
Classification: Uncertain significance for Hereditary cancer-predisposing syndrome. Last evaluated: 2021-05-07. Review status: criteria provided, single submitter. Criteria: Ambry Variant Classification Scheme 2023. Collection method: clinical testing. Allele origin: germline.
Comment: The p.K1465R variant (also known as c.4394A>G), located in coding exon 30 of the SMARCA4 gene, results from an A to G substitution at nucleotide position 4394. The lysine at codon 1465 is replaced by arginine, an amino acid with highly similar properties. Missense and in-frame variants in SMARCA4 are known to cause neurodevelopmental disorders; however, such associations with rhabdoid tumor predisposition syndrome including small cell carcinoma of the ovary-hypercalcemic type (SCCOHT) are exceedingly rare (Kosho T et al. Am J Med Genet C Semin Med Genet. 2014 Sep;166C(3):262-75; Jelinic P et al. Nat Genet. 2014 May;46(5):424-6). This amino acid position is well conserved in available vertebrate species. In addition, this alteration is predicted to be tolerated by in silico analysis. Based on the supporting evidence, the association of this alteration with Coffin-Siris syndrome is unknown; however, the association of this alteration with rhabdoid tumor predisposition syndrome is unlikely.

NM_003072.5(SMARCA4):c.4298A>G (p.Lys1433Arg)

Gene: SMARCA4 (SWI/SNF related BAF chromatin remodeling complex subunit ATPase 4; plus strand). Cytogenetic location: 19p13.2.
Variant type: single nucleotide variant.
Coding change: c.4298A>G on transcript NM_003072.5 (MANE Select); coding-DNA position 4298, A replaced by G.
Protein change: p.Lys1433Arg; replaces lysine 1433 with arginine.
Molecular consequence: missense variant. On other transcripts: non-coding transcript variant (1).
Genome position (GRCh38, 1-based): chr19:11,041,434, A>G. VCF-style: chr19-11041434-A-G. GRCh37 (hg19) VCF-style: chr19-11152110-A-G.
Other names: c.4298A>G, p.Lys1433Arg (NM_001128844.3); c.4208A>G, p.Lys1403Arg (NM_001128845.2, NM_001128846.2); c.4199A>G, p.Lys1400Arg (NM_001128847.4, NM_001128848.2, NM_001374457.1); c.4394A>G, p.Lys1465Arg (NM_001128849.3, NM_001387283.1); c.4295A>G, p.Lys1432Arg (NM_001411150.1); short protein forms K1433R, K1465R, K1432R, K1400R, K1403R.
Identifiers: ClinVar variation 1740248 (VCV001740248.2), dbSNP rs1413626603, ClinGen allele CA404073670.